The following is an entry in ClinVar:

NM_031885.5(BBS2):c.1428_1431del (p.Arg476fs)

Gene: BBS2 (Bardet-Biedl syndrome 2; minus strand). Cytogenetic location: 16q13.
Variant type: Deletion.
Coding change: c.1428_1431del on transcript NM_031885.5 (MANE Select); coding-DNA positions 1428 to 1431, 4 bases deleted (ACAG; older notation c.1428_1431delACAG).
Protein change: p.Arg476fs; shifts the reading frame from arginine 476.
Molecular consequence: frameshift variant. On other transcripts: non-coding transcript variant (5).
Genome position (GRCh38, 1-based): chr16:56,499,874-56,499,877, CTGT deleted on the plus strand (ACAG on the coding strand, the reverse complement: BBS2 is on the minus strand); deleting any 4 consecutive bases within chr16:56,499,874-56,499,879 gives the same sequence; the c. name uses the placement nearest the transcript's 3' end. VCF-style (leftmost placement, unchanged base first): chr16-56499873-GCTGT-G. GRCh37 (hg19) VCF-style: chr16-56533785-GCTGT-G.
Other names: c.1428_1431del, p.Arg476fs (NM_001377456.1); short protein forms R476fs.
Identifiers: ClinVar variation 3639184 (VCV003639184.2).

ClinVar aggregate classification (germline): Pathogenic (1 of 4 stars; one submission).

Conditions:
Bardet-Biedl syndrome (BBS). Identifiers: Orphanet 110, MedGen C0752166, MONDO:0015229.

Submission:

Labcorp Genetics (formerly Invitae), Labcorp
Classification: Pathogenic for Bardet-Biedl syndrome. Last evaluated: 2024-02-06. Review status: criteria provided, single submitter. Criteria: Invitae Variant Classification Sherloc (09022015). Collection method: clinical testing. Allele origin: germline.
Comment: This sequence change creates a premature translational stop signal (p.Arg476Serfs*10) in the BBS2 gene. It is expected to result in an absent or disrupted protein product. Loss-of-function variants in BBS2 are known to be pathogenic (PMID: 11285252, 20177705, 24608809, 26518167). This variant is not present in population databases (gnomAD no frequency). This variant has not been reported in the literature in individuals affected with BBS2-related conditions. For these reasons, this variant has been classified as Pathogenic.

Literature cited by the submitters: PubMed 11285252; PubMed 20177705; PubMed 24608809; PubMed 26518167.